The following is an entry in ClinVar:

NM_001035.3(RYR2):c.9826C>T (p.Leu3276Phe)

Gene: RYR2 (ryanodine receptor 2; plus strand). Cytogenetic location: 1q43.
Variant type: single nucleotide variant.
Coding change: c.9826C>T on transcript NM_001035.3 (MANE Select); coding-DNA position 9826, C replaced by T.
Protein change: p.Leu3276Phe; replaces leucine 3276 with phenylalanine.
Molecular consequence: missense variant.
Genome position (GRCh38, 1-based): chr1:237,707,194, C>T. VCF-style: chr1-237707194-C-T. GRCh37 (hg19) VCF-style: chr1-237870494-C-T.
Other names: c.9826C>T (NM_001035.2); short protein forms L3276F.
Identifiers: ClinVar variation 2168258 (VCV002168258.6), dbSNP rs1688454904, ClinGen allele CA345409202.

ClinVar aggregate classification (germline): Uncertain significance. Review status: criteria provided, multiple submitters, no conflicts (2 of 4 stars). 3 submissions from 3 submitters: Uncertain significance (3). Last evaluated 2026-08-16.

Conditions:
Catecholaminergic polymorphic ventricular tachycardia 1. Also called: VENTRICULAR TACHYCARDIA, CATECHOLAMINERGIC POLYMORPHIC, 1, WITH OR WITHOUT ATRIAL DYSFUNCTION AND/OR DILATED CARDIOMYOPATHY; VENTRICULAR TACHYCARDIA, STRESS-INDUCED POLYMORPHIC 1; RYR2-Related Catecholaminergic Polymorphic Ventricular Tachycardia. Identifiers: Orphanet 3286, MedGen C1631597, MONDO:0011484, OMIM 604772.
Cardiovascular phenotype. Identifiers: MedGen CN230736.
Catecholaminergic polymorphic ventricular tachycardia (CVPT). Also called: Catecholamine-induced polymorphic ventricular tachycardia. Identifiers: Orphanet 3286, MedGen C5574922, MONDO:0017990.

gnomAD v4.1: 13 of 1,605,456 alleles (0.00081%); highest among the groups gnomAD compares: African/African-American, 0.0013%; no homozygotes.

Submissions (3):

Ambry Genetics
Classification: Uncertain significance for Cardiovascular phenotype. Last evaluated: 2026-08-16. Review status: criteria provided, single submitter. Criteria: Ambry Variant Classification Scheme 2023. Collection method: clinical testing. Allele origin: germline.
Comment: The p.L3276F variant (also known as c.9826C>T), located in coding exon 68 of the RYR2 gene, results from a C to T substitution at nucleotide position 9826. The leucine at codon 3276 is replaced by phenylalanine, an amino acid with highly similar properties. This amino acid position is conserved. In addition, the in silico prediction for this alteration is inconclusive. Based on the available evidence, the clinical significance of this variant remains unclear.

Labcorp Genetics (formerly Invitae), Labcorp
Classification: Uncertain significance for Catecholaminergic polymorphic ventricular tachycardia 1. Last evaluated: 2024-08-29. Review status: criteria provided, single submitter. Criteria: Invitae Variant Classification Sherloc (09022015). Collection method: clinical testing. Allele origin: germline.
Comment: This sequence change replaces leucine, which is neutral and non-polar, with phenylalanine, which is neutral and non-polar, at codon 3276 of the RYR2 protein (p.Leu3276Phe). This variant is not present in population databases (gnomAD no frequency). This variant has not been reported in the literature in individuals affected with RYR2-related conditions. ClinVar contains an entry for this variant (Variation ID: 2168258). Invitae Evidence Modeling of protein sequence and biophysical properties (such as structural, functional, and spatial information, amino acid conservation, physicochemical variation, residue mobility, and thermodynamic stability) has been performed for this missense variant. However, the output from this modeling did not meet the statistical confidence thresholds required to predict the impact of this variant on RYR2 protein function. In summary, the available evidence is currently insufficient to determine the role of this variant in disease. Therefore, it has been classified as a Variant of Uncertain Significance.

All of Us Research Program, National Institutes of Health
Classification: Uncertain significance for Catecholaminergic polymorphic ventricular tachycardia. Last evaluated: 2023-08-15. Review status: criteria provided, single submitter. Criteria: ACMG Guidelines, 2015. Collection method: clinical testing. Allele origin: germline. Inheritance: Autosomal dominant inheritance. Observed: 1 variant allele, 1 heterozygote.
Comment: This missense variant replaces leucine with phenylalanine at codon 3276 of the RYR2 protein. Computational prediction suggests that this variant may not impact protein structure and function (internally defined REVEL score threshold <= 0.5, PMID: 27666373). To our knowledge, functional studies have not been reported for this variant. This variant has not been reported in individuals affected with RYR2-related disorders in the literature. This variant has not been identified in the general population by the Genome Aggregation Database (gnomAD). The available evidence is insufficient to determine the role of this variant in disease conclusively. Therefore, this variant is classified as a Variant of Uncertain Significance.

This study involves interpretation of variants in research participants for the purpose of population health screening. Participant phenotype was not available at the time of variant classification. Additional details can be found in publication PMID: 35346344, PMCID: PMC8962531